The following is an entry in ClinVar:

NM_005534.4(IFNGR2):c.510G>A (p.Thr170=)

Gene: IFNGR2 (interferon gamma receptor 2; plus strand). Cytogenetic location: 21q22.11.
Variant type: single nucleotide variant.
Coding change: c.510G>A on transcript NM_005534.4 (MANE Select); coding-DNA position 510, G replaced by A.
Protein change: p.Thr170=; no amino-acid change (threonine 170 retained).
Molecular consequence: synonymous variant.
Genome position (GRCh38, 1-based): chr21:33,426,981, G>A. VCF-style: chr21-33426981-G-A. GRCh37 (hg19) VCF-style: chr21-34799288-G-A.
Other names: c.567G>A, p.Thr189= (NM_001329128.2).
Identifiers: ClinVar variation 111247 (VCV000111247.15), dbSNP rs121913209, ClinGen allele CA230557.

ClinVar aggregate classification (germline): Conflicting classifications of pathogenicity. Review status: criteria provided, conflicting classifications (1 of 4 stars). 5 submissions from 5 submitters: Uncertain significance (1); Likely benign (3). 1 of the submissions does not count toward it. Last evaluated 2026-03-11.

Conditions:
IFNGR2-related disorder. Also called: IFNGR2-related condition.
Immunodeficiency 28 (IMD28). Also called: IFNGR2 DEFICIENCY. Identifiers: Orphanet 319547, Orphanet 319574, MedGen C4013947, MONDO:0013953, OMIM 614889.

Allele frequency attached by ClinVar (database versions not stated): gnomAD 0.00003 and 0.00005; ExAC 0.00004; TOPMed 0.00005; ESP Exome Variant Server 0.00008.
gnomAD v4.1: 71 of 1,613,374 alleles (0.0044%); highest among the groups gnomAD compares: Middle Eastern, 0.15%; 1 homozygote.

Submissions (5):

PreventionGenetics, part of Exact Sciences
Classification: Likely benign for IFNGR2-related condition. Last evaluated: 2026-03-11. Review status: criteria provided, single submitter. Criteria: ACMG Guidelines, 2015. Collection method: clinical testing. Allele origin: germline.
Comment: This variant is classified as likely benign based on ACMG/AMP sequence variant interpretation guidelines (Richards et al. 2015 PMID: 25741868, with internal and published modifications).

Labcorp Genetics (formerly Invitae), Labcorp
Classification: Likely benign for Immunodeficiency 28. Last evaluated: 2025-12-15. Review status: criteria provided, single submitter. Criteria: Invitae Variant Classification Sherloc (09022015). Collection method: clinical testing. Allele origin: germline.

Blueprint Genetics
Classification: Likely benign. Last evaluated: 2024-09-02. Review status: criteria provided, single submitter. Criteria: ACMG Guidelines, 2015. Collection method: clinical testing. Allele origin: germline.

Breakthrough Genomics
Classification: Uncertain significance. Review status: criteria provided, single submitter. Criteria: ACMG Guidelines, 2015. Collection method: not provided. Allele origin: germline. Inheritance: Autosomal dominant inheritance. Affected: yes.

Human Evolutionary Genetics, Institut Pasteur
No classification provided. Review status: no classification provided. Collection method: not provided. Allele origin: not provided. Not counted in ClinVar's aggregate classification.